The following is an entry in ClinVar:

NM_005359.6(SMAD4):c.825A>G (p.Pro275=)

Gene: SMAD4 (SMAD family member 4; plus strand). Cytogenetic location: 18q21.2.
Variant type: single nucleotide variant.
Coding change: c.825A>G on transcript NM_005359.6 (MANE Select); coding-DNA position 825, A replaced by G.
Protein change: p.Pro275=; no amino-acid change (proline 275 retained).
Molecular consequence: synonymous variant.
Genome position (GRCh38, 1-based): chr18:51,058,377, A>G. VCF-style: chr18-51058377-A-G. GRCh37 (hg19) VCF-style: chr18-48584747-A-G.
Identifiers: ClinVar variation 240154 (VCV000240154.18), dbSNP rs762166596, ClinGen allele CA8965910.
Genomic context (GRCh38, chr18:51,058,377, plus strand): 5'-CCCATGTGGGCCTTAATTTTTAGACAGCACTACCACCTGGACTGGAAGTAGGACTGCACC[A>G]TACACACCTAATTTGCCTCACCACCAAAACGGCCATCTTCAGCACCACCCGCCTATGCCG-3'
Protein context (NP_005350.1, residues 265-285): TTTWTGSRTA[Pro275=]YTPNLPHHQN

ClinVar aggregate classification (germline): Conflicting classifications of pathogenicity. Review status: criteria provided, conflicting classifications (1 of 4 stars). 5 submissions from 5 submitters: Uncertain significance (2); Benign (1); Likely benign (2). Last evaluated 2025-07-22.

Conditions:
Familial thoracic aortic aneurysm and aortic dissection (TAAD). Also called: Thoracic aortic aneurysms and dissections. Identifiers: Orphanet 91387, MedGen C4707243, MONDO:0019625.
Hereditary cancer-predisposing syndrome. Also called: Tumor predisposition; Neoplastic Syndromes, Hereditary; Hereditary neoplastic syndrome; Hereditary Cancer Syndrome. Identifiers: Orphanet 140162, MedGen C0027672, MeSH D009386, MONDO:0015356.
Juvenile polyposis syndrome (JPS). Identifiers: Orphanet 2929, MedGen C0345893, MONDO:0017380, OMIM 174900.
Juvenile polyposis/hereditary hemorrhagic telangiectasia syndrome (JPHT). Also called: Juvenile Polyposis Syndrome / Hereditary Hemorrhagic Telangiectasia (JPS/HHT); JP/HHT SYNDROME; JUVENILE POLYPOSIS WITH HEREDITARY HEMORRHAGIC TELANGIECTASIA; POLYPOSIS, GENERALIZED JUVENILE, WITH PULMONARY ARTERIOVENOUS MALFORMATION; TELANGIECTASIA, HEREDITARY HEMORRHAGIC, WITH JUVENILE POLYPOSIS COLI. Identifiers: Orphanet 2929, MedGen C1832942, MONDO:0008278, OMIM 175050.

Allele frequency attached by ClinVar (database versions not stated): ExAC 0.00001; gnomAD exomes below 0.00001.
gnomAD v4.1: 1 of 1,614,058 alleles (0.000062%); highest among the groups gnomAD compares: Admixed American, 0.0017%; no homozygotes.

Submissions (5):

Labcorp Genetics (formerly Invitae), Labcorp
Classification: Likely benign for Juvenile polyposis syndrome. Last evaluated: 2025-07-22. Review status: criteria provided, single submitter. Criteria: Invitae Variant Classification Sherloc (09022015). Collection method: clinical testing. Allele origin: germline.

Myriad Genetics, Inc.
Classification: Benign for Juvenile polyposis/hereditary hemorrhagic telangiectasia syndrome. Last evaluated: 2025-03-20. Review status: criteria provided, single submitter. Criteria: Myriad Autosomal Dominant, Autosomal Recessive and X-Linked Classification Criteria (2023). Collection method: clinical testing. Allele origin: unknown.
Comment: This variant is considered benign. This variant is a silent/synonymous amino acid change and it is not expected to impact splicing.

Quest Diagnostics Nichols Institute San Juan Capistrano
Classification: Uncertain significance. Last evaluated: 2024-03-19. Review status: criteria provided, single submitter. Criteria: Quest Diagnostics criteria. Collection method: clinical testing. Allele origin: unknown.
Comment: The SMAD4 c.825A>G (p.Pro275=) synonymous variant has not been reported in individuals with SMAD4-related conditions in the published literature. The frequency of this variant in the general population, 0.000004 (1/251488 chromosomes (Genome Aggregation Database)), is uninformative in the assessment of its pathogenicity. Analysis of this variant using software algorithms for the prediction of the effect of nucleotide changes on splicing yielded predictions that this variant does not affect SMAD4 mRNA splicing. Based on the available information, we are unable to determine the clinical significance of this variant.

GeneDx
Classification: Uncertain significance. Last evaluated: 2023-11-09. Review status: criteria provided, single submitter. Criteria: GeneDx Variant Classification Process June 2021. Collection method: clinical testing. Allele origin: germline. Affected: yes.
Comment: Not observed at significant frequency in large population cohorts (gnomAD); In silico analysis supports that this variant does not alter splicing; Has not been previously published as pathogenic or benign to our knowledge

Ambry Genetics
Classification: Likely benign for Hereditary cancer-predisposing syndrome; Familial thoracic aortic aneurysm and aortic dissection. Last evaluated: 2021-03-18. Review status: criteria provided, single submitter. Criteria: Ambry Variant Classification Scheme 2023. Collection method: clinical testing. Allele origin: germline.